The following is an entry in ClinVar:

ClinVar aggregate classification (germline): Uncertain significance. Review status: criteria provided, multiple submitters, no conflicts (2 of 4 stars). 2 submissions from 2 submitters: Uncertain significance (2). Last evaluated 2025-04-28.

gnomAD v4.1: 1 of 1,613,958 alleles (0.000062%); highest among the groups gnomAD compares: South Asian, 0.0011%; no homozygotes.

Submissions (2):

Ambry Genetics
Classification: Uncertain significance. Last evaluated: 2025-04-28. Review status: criteria provided, single submitter. Criteria: Ambry Variant Classification Scheme 2023. Collection method: clinical testing. Allele origin: germline.
Comment: The p.G811V variant (also known as c.2432G>T), located in coding exon 13 of the GEN1 gene, results from a G to T substitution at nucleotide position 2432. The glycine at codon 811 is replaced by valine, an amino acid with dissimilar properties. This amino acid position is conserved. In addition, this alteration is predicted to be tolerated by in silico analysis. Based on the available evidence, the clinical significance of this variant remains unclear.

Labcorp Genetics (formerly Invitae), Labcorp
Classification: Uncertain significance. Last evaluated: 2022-04-19. Review status: criteria provided, single submitter. Criteria: Invitae Variant Classification Sherloc (09022015). Collection method: clinical testing. Allele origin: germline.
Comment: This variant is not present in population databases (gnomAD no frequency). This variant has not been reported in the literature in individuals affected with GEN1-related conditions. Algorithms developed to predict the effect of missense changes on protein structure and function (SIFT, PolyPhen-2, Align-GVGD) all suggest that this variant is likely to be tolerated. In summary, the available evidence is currently insufficient to determine the role of this variant in disease. Therefore, it has been classified as a Variant of Uncertain Significance. This sequence change replaces glycine, which is neutral and non-polar, with valine, which is neutral and non-polar, at codon 811 of the GEN1 protein (p.Gly811Val).

NM_001130009.3(GEN1):c.2432G>T (p.Gly811Val)

Gene: GEN1 (GEN1 structure-specific endonuclease; plus strand). Cytogenetic location: 2p24.2.
Variant type: single nucleotide variant.
Coding change: c.2432G>T on transcript NM_001130009.3 (MANE Select); coding-DNA position 2432, G replaced by T.
Protein change: p.Gly811Val; replaces glycine 811 with valine.
Molecular consequence: missense variant.
Genome position (GRCh38, 1-based): chr2:17,781,644, G>T. VCF-style: chr2-17781644-G-T. GRCh37 (hg19) VCF-style: chr2-17962911-G-T.
Other names: c.2432G>T (NM_001130009.1); c.2432G>T, p.Gly811Val (NM_182625.5); short protein forms G811V.
Identifiers: ClinVar variation 1945828 (VCV001945828.6), dbSNP rs1672842976, ClinGen allele CA345928032.